The following is an entry in ClinVar:

NM_001085049.3(MRAS):c.406A>G (p.Ile136Val)

Gene: MRAS (muscle RAS oncogene homolog; plus strand). Cytogenetic location: 3q22.3.
Variant type: single nucleotide variant.
Coding change: c.406A>G on transcript NM_001085049.3 (MANE Select); coding-DNA position 406, A replaced by G.
Protein change: p.Ile136Val; replaces isoleucine 136 with valine.
Molecular consequence: missense variant.
Genome position (GRCh38, 1-based): chr3:138,398,527, A>G. VCF-style: chr3-138398527-A-G. GRCh37 (hg19) VCF-style: chr3-138117369-A-G.
Other names: c.406A>G, p.Ile136Val (NM_001252090.2, NM_012219.4); c.178A>G, p.Ile60Val (NM_001252091.1, NM_001252092.2, NM_001252093.2); short protein forms I60V, I136V.
Identifiers: ClinVar variation 3397803 (VCV003397803.1).

ClinVar aggregate classification (germline): Uncertain significance (1 of 4 stars; one submission).

Conditions:
Inborn genetic diseases. Identifiers: MedGen C0950123, MeSH D030342.

Submission:

Ambry Genetics
Classification: Uncertain significance for Inborn genetic diseases. Last evaluated: 2024-11-17. Review status: criteria provided, single submitter. Criteria: Ambry Variant Classification Scheme 2023. Collection method: clinical testing. Allele origin: germline.
Comment: The p.I136V variant (also known as c.406A>G), located in coding exon 3 of the MRAS gene, results from an A to G substitution at nucleotide position 406. The isoleucine at codon 136 is replaced by valine, an amino acid with highly similar properties. This amino acid position is conserved. In addition, this alteration is predicted to be tolerated by in silico analysis. Based on the available evidence, the clinical significance of this variant remains unclear.